The following is an entry in ClinVar:

NM_001165963.4(SCN1A):c.2294T>C (p.Val765Ala)

Gene: SCN1A (sodium voltage-gated channel alpha subunit 1; minus strand). Cytogenetic location: 2q24.3.
Variant type: single nucleotide variant.
Coding change: c.2294T>C on transcript NM_001165963.4 (MANE Select); coding-DNA position 2294, T replaced by C.
Protein change: p.Val765Ala; replaces valine 765 with alanine.
Molecular consequence: missense variant. On other transcripts: 5 prime UTR variant (1), non-coding transcript variant (1).
Genome position (GRCh38, 1-based): chr2:166,041,352, A>G on the plus strand (T>C on the coding strand, the complement: SCN1A is on the minus strand). VCF-style: chr2-166041352-A-G. GRCh37 (hg19) VCF-style: chr2-166897862-A-G.
Other names: c.2210T>C, p.Val737Ala (NM_001165964.3, NM_001353957.2, NM_001353958.2); c.2294T>C, p.Val765Ala (NM_001202435.3, NM_001353948.2); c.2261T>C, p.Val754Ala (NM_001353949.2, NM_001353950.2, NM_001353951.2 and 2 more transcripts); c.2258T>C, p.Val753Ala (NM_001353954.2, NM_001353955.2); c.2207T>C, p.Val736Ala (NM_001353960.2); c.-165T>C (NM_001353961.2); short protein forms V736A, V737A, V753A, V754A, V765A.
Identifiers: ClinVar variation 1055575 (VCV001055575.10), dbSNP rs1302724105, ClinGen allele CA349064513.

ClinVar aggregate classification (germline): Uncertain significance. Review status: criteria provided, multiple submitters, no conflicts (2 of 4 stars). 3 submissions from 3 submitters: Uncertain significance (3). Last evaluated 2025-10-22.

Conditions:
Early-infantile DEE. Also called: Ohtahara syndrome; Early infantile epileptic encephalopathy with suppression bursts; Early infantile epileptic encephalopathy. Identifiers: Orphanet 1934, MedGen C0393706, MONDO:0800491.
Inborn genetic diseases. Identifiers: MedGen C0950123, MeSH D030342.

Allele frequency attached by ClinVar (database versions not stated): gnomAD exomes below 0.00001 and 0.00001; gnomAD 0.00001.

Submissions (3):

Labcorp Genetics (formerly Invitae), Labcorp
Classification: Uncertain significance for Early-infantile DEE. Last evaluated: 2025-10-22. Review status: criteria provided, single submitter. Criteria: Invitae Variant Classification Sherloc (09022015). Collection method: clinical testing. Allele origin: germline.
Comment: This sequence change replaces valine, which is neutral and non-polar, with alanine, which is neutral and non-polar, at codon 765 of the SCN1A protein (p.Val765Ala). This variant is not present in population databases (gnomAD no frequency). This missense change has been observed in individual(s) with clinical features of SCN1A-related conditions (internal data). ClinVar contains an entry for this variant (Variation ID: 1055575). Invitae Evidence Modeling of protein sequence and biophysical properties (such as structural, functional, and spatial information, amino acid conservation, physicochemical variation, residue mobility, and thermodynamic stability) indicates that this missense variant is expected to disrupt SCN1A protein function with a positive predictive value of 95%. In summary, the available evidence is currently insufficient to determine the role of this variant in disease. Therefore, it has been classified as a Variant of Uncertain Significance.

Ambry Genetics
Classification: Uncertain significance for Inborn genetic diseases. Last evaluated: 2024-12-18. Review status: criteria provided, single submitter. Criteria: Ambry Variant Classification Scheme 2023. Collection method: clinical testing. Allele origin: germline.

GeneDx
Classification: Uncertain significance. Last evaluated: 2019-05-30. Review status: criteria provided, single submitter. Criteria: GeneDx Variant Classification Process June 2021. Collection method: clinical testing. Allele origin: germline. Affected: yes.
Comment: Not observed in large population cohorts (Lek et al., 2016); Missense variants in this gene are often considered pathogenic (Stenson et al., 2014); In silico analysis, which includes protein predictors and evolutionary conservation, supports a deleterious effect; Has not been previously published as pathogenic or benign to our knowledge; This substitution is predicted to be in the cytoplasmic loop between the first and second homologous domains